The following is an entry in ClinVar:

NM_000051.4(ATM):c.5368G>T (p.Asp1790Tyr)

Gene: ATM (ATM serine/threonine kinase; plus strand). Cytogenetic location: 11q22.3.
Variant type: single nucleotide variant.
Coding change: c.5368G>T on transcript NM_000051.4 (MANE Select); coding-DNA position 5368, G replaced by T.
Protein change: p.Asp1790Tyr; replaces aspartic acid 1790 with tyrosine.
Molecular consequence: missense variant.
Genome position (GRCh38, 1-based): chr11:108,302,901, G>T. VCF-style: chr11-108302901-G-T. GRCh37 (hg19) VCF-style: chr11-108173628-G-T.
Other names: c.5368G>T, p.Asp1790Tyr (NM_001351834.2); short protein forms D1790Y.
Identifiers: ClinVar variation 3660961 (VCV003660961.2).

ClinVar aggregate classification (germline): Uncertain significance (1 of 4 stars; one submission).

Conditions:
Ataxia-telangiectasia syndrome (AT). Also called: LOUIS-BAR SYNDROME; Cerebello-oculocutaneous telangiectasia; Immunodeficiency with ataxia telangiectasia; ATAXIA-TELANGIECTASIA, COMPLEMENTATION GROUP A; ATAXIA-TELANGIECTASIA, FRESNO VARIANT; Ataxia-telangiectasia, complementation group D. Identifiers: Orphanet 100, MedGen C0004135, MONDO:0008840, OMIM 208900.

Submission:

Labcorp Genetics (formerly Invitae), Labcorp
Classification: Uncertain significance for Ataxia-telangiectasia syndrome. Last evaluated: 2024-07-30. Review status: criteria provided, single submitter. Criteria: Invitae Variant Classification Sherloc (09022015). Collection method: clinical testing. Allele origin: germline.
Comment: This sequence change replaces aspartic acid, which is acidic and polar, with tyrosine, which is neutral and polar, at codon 1790 of the ATM protein (p.Asp1790Tyr). This variant is not present in population databases (gnomAD no frequency). This variant has not been reported in the literature in individuals affected with ATM-related conditions. An algorithm developed to predict the effect of missense changes on protein structure and function (PolyPhen-2) suggests that this variant is likely to be disruptive. In summary, the available evidence is currently insufficient to determine the role of this variant in disease. Therefore, it has been classified as a Variant of Uncertain Significance.